The following is an entry in ClinVar:

NM_022897.5(RANBP17):c.559G>A (p.Asp187Asn)

Gene: RANBP17 (RAN binding protein 17; plus strand). Cytogenetic location: 5q35.1.
Variant type: single nucleotide variant.
Coding change: c.559G>A on transcript NM_022897.5 (MANE Select); coding-DNA position 559, G replaced by A.
Protein change: p.Asp187Asn; replaces aspartic acid 187 with asparagine.
Molecular consequence: missense variant.
Genome position (GRCh38, 1-based): chr5:170,909,730, G>A. VCF-style: chr5-170909730-G-A. GRCh37 (hg19) VCF-style: chr5-170336734-G-A.
Other names: short protein forms D187N.
Identifiers: ClinVar variation 2632773 (VCV002632773.1), dbSNP rs1771377522, ClinGen allele CA362122635.

ClinVar aggregate classification (germline): Uncertain significance (1 of 4 stars; one submission).

Conditions:
RANBP17-related disorder. Also called: RANBP17-related condition.

Submission:

PreventionGenetics, part of Exact Sciences
Classification: Uncertain significance for RANBP17-related condition. Last evaluated: 2023-08-22. Review status: criteria provided, single submitter. Criteria: ACMG Guidelines, 2015. Collection method: clinical testing. Allele origin: germline.
Comment: The RANBP17 c.559G>A variant is predicted to result in the amino acid substitution p.Asp187Asn. To our knowledge, this variant has not been reported in the literature or in a large population database, indicating this variant is rare. At this time, the clinical significance of this variant is uncertain due to the absence of conclusive functional and genetic evidence.